The following is an entry in ClinVar:

ClinVar aggregate classification (germline): Conflicting classifications of pathogenicity. Review status: criteria provided, conflicting classifications (1 of 4 stars). 3 submissions from 3 submitters: Pathogenic (1); Likely pathogenic (1); Uncertain significance (1). Last evaluated 2024-09-23.

Conditions:
Hypokalemic periodic paralysis, type 1. Also called: HypoPP; Hypokalemic Periodic Paralysis Type 1 (AD). Identifiers: Orphanet 681, MedGen C3714580, MONDO:0042979, OMIM 170400.
Malignant hyperthermia, susceptibility to, 5 (MHS5). Also called: CACNA1S-Related Malignant Hyperthermia Susceptibility. Identifiers: Orphanet 423, MedGen C1866077, MONDO:0011163, OMIM 601887.
CACNA1S-related disorder. Also called: CACNA1S-related condition.

Submissions (3):

All of Us Research Program, National Institutes of Health
Classification: Uncertain significance for Malignant hyperthermia, susceptibility to, 5. Last evaluated: 2024-09-23. Review status: criteria provided, single submitter. Criteria: ACMG Guidelines, 2015. Collection method: clinical testing. Allele origin: germline. Inheritance: Autosomal dominant inheritance. Observed: 3 variant alleles, 3 heterozygotes.
Comment: This variant deletes 1 nucleotide in exon 6 of the CACNA1S gene, creating a frameshift and premature translation stop signal. This variant is expected to result in an absent or non-functional protein product. To our knowledge, this variant has not been reported in individuals affected with CACNA1S-related disorders in the literature. This variant has been identified in 1/250584 chromosomes in the general population by the Genome Aggregation Database (gnomAD). Loss of CACNA1S function due to truncation variants is not an established disease mechanism for autosomal dominant malignant hyperthermia, although it is associated with other phenotype(s) (ClinVar variation ID: 646905). Due to insufficient evidence, this variant is classified as a Variant of Uncertain Significance for autosomal dominant malignant hyperthermia.

This study involves interpretation of variants in research participants for the purpose of population health screening. Participant phenotype was not available at the time of variant classification. Additional details can be found in publication PMID: 35346344, PMCID: PMC8962531

Labcorp Genetics (formerly Invitae), Labcorp
Classification: Pathogenic for Hypokalemic periodic paralysis, type 1; Malignant hyperthermia, susceptibility to, 5. Last evaluated: 2023-06-03. Review status: criteria provided, single submitter. Criteria: Invitae Variant Classification Sherloc (09022015). Collection method: clinical testing. Allele origin: germline.
Comment: This sequence change creates a premature translational stop signal (p.Cys245Alafs*89) in the CACNA1S gene. It is expected to result in an absent or disrupted protein product. Loss-of-function variants in CACNA1S are known to be pathogenic (PMID: 26247046, 28012042). For these reasons, this variant has been classified as Pathogenic. ClinVar contains an entry for this variant (Variation ID: 646905). This variant has not been reported in the literature in individuals affected with CACNA1S-related conditions. This variant is not present in population databases (gnomAD no frequency).

Blueprint Genetics
Classification: Likely pathogenic for CACNA1S-related disorders. Last evaluated: 2022-02-24. Review status: criteria provided, single submitter. Criteria: ACMG Guidelines, 2015. Collection method: clinical testing. Allele origin: germline. Affected: yes. Observed: 3 variant alleles.

Literature cited by the submitters: PubMed 26247046 (cited by Labcorp Genetics (formerly Invitae), Labcorp); PubMed 28012042 (cited by Labcorp Genetics (formerly Invitae), Labcorp).

NM_000069.3(CACNA1S):c.732del (p.Cys245fs)

Gene: CACNA1S (calcium voltage-gated channel subunit alpha1 S; minus strand). Cytogenetic location: 1q32.1.
Variant type: Deletion.
Coding change: c.732del on transcript NM_000069.3 (MANE Select); coding-DNA position 732, one base deleted (C; older notation c.732delC).
Protein change: p.Cys245fs; shifts the reading frame from cysteine 245.
Molecular consequence: frameshift variant.
Genome position (GRCh38, 1-based): chr1:201,089,426, G deleted on the plus strand (C on the coding strand, the reverse complement: CACNA1S is on the minus strand); the first of 3 consecutive G bases (chr1:201,089,426-201,089,428); deleting any one gives the same sequence. VCF-style (leftmost placement, unchanged base first): chr1-201089425-AG-A. GRCh37 (hg19) VCF-style: chr1-201058553-AG-A.
Other names: c.732delC (NM_000069.2); short protein forms C245fs.
Identifiers: ClinVar variation 646905 (VCV000646905.10), dbSNP rs1558079311, ClinGen allele CA915941990.
Genomic context (GRCh38, chr1:201,089,425, plus strand): 5'-AGCCGCCCCGGCACTCACTGCCATTGATGGTGCACCGGCGCCCTGAGCCCGTCCTGGCGC[AG>A]GGCGATGGCTCTTCATTCTCCACCGTGGCCACGATATCTGGAGGCAGAAGGCAAAGGGAA-3'